The following is an entry in ClinVar:

ClinVar aggregate classification (germline): Uncertain significance (1 of 4 stars; one submission).

Submission:

Labcorp Genetics (formerly Invitae), Labcorp
Classification: Uncertain significance. Last evaluated: 2025-07-09. Review status: criteria provided, single submitter. Criteria: Invitae Variant Classification Sherloc (09022015). Collection method: clinical testing. Allele origin: germline.
Comment: This sequence change replaces asparagine, which is neutral and polar, with lysine, which is basic and polar, at codon 178 of the GH1 protein (p.Asn178Lys). This variant is not present in population databases (gnomAD no frequency). This variant has not been reported in the literature in individuals affected with GH1-related conditions. An algorithm developed to predict the effect of missense changes on protein structure and function (PolyPhen-2) suggests that this variant is likely to be tolerated. In summary, the available evidence is currently insufficient to determine the role of this variant in disease. Therefore, it has been classified as a Variant of Uncertain Significance.

NM_000515.5(GH1):c.534C>G (p.Asn178Lys)

Genes: GH-LCR (growth hormone locus control region; plus strand), GH1 (growth hormone 1; minus strand). Cytogenetic location: 17q23.3.
Variant type: single nucleotide variant.
Coding change: c.534C>G on transcript NM_000515.5 (MANE Select); coding-DNA position 534, C replaced by G.
Protein change: p.Asn178Lys; replaces asparagine 178 with lysine.
Molecular consequence: missense variant.
Genome position (GRCh38, 1-based): chr17:63,917,429, G>C on the plus strand (C>G on the coding strand, the complement: GH1 is on the minus strand). VCF-style: chr17-63917429-G-C. GRCh37 (hg19) VCF-style: chr17-61994789-G-C.
Other names: c.489C>G, p.Asn163Lys (NM_022559.4); c.414C>G, p.Asn138Lys (NM_022560.4); short protein forms N163K, N178K, N138K.
Identifiers: ClinVar variation 4702897 (VCV004702897.1).
Genomic context (GRCh38, chr17:63,917,429, plus strand): 5'-CTTGTCCATGTCCTTCCTGAAGCAGTAGAGCAGCCCGTAGTTCTTGAGTAGTGCGTCATC[G>C]TTGTGTGAGTTTGTGTCGAACTTGCTGTAGGTCTGCTTGAAGATCTGCCCAGTCCGGGGG-3'
Protein context (NP_000506.2, residues 168-188): TYSKFDTNSH[Asn178Lys]DDALLKNYGL